The following is an entry in ClinVar:

ClinVar aggregate classification (germline): Likely pathogenic (1 of 4 stars; one submission).

Conditions:
Nemaline myopathy 2 (NEM2). Also called: Nemaline myopathy 2, autosomal recessive. Identifiers: MedGen C1850569, MONDO:0009725, OMIM 256030.

Submission:

Myriad Genetics, Inc.
Classification: Likely pathogenic for Nemaline myopathy 2. Last evaluated: 2021-12-17. Review status: criteria provided, single submitter. Criteria: Myriad Women's Health Autosomal Recessive and X-Linked Classification Criteria (2021). Collection method: clinical testing. Allele origin: unknown.
Comment: NM_001271208.1(NEB):c.22458_22459insCA(A7487Qfs*23) is expected to be pathogenic in the context of NEB-related nemaline myopathy. This variant is predicted to lead to an abnormal or absent protein product due to the creation of a premature termination codon in NEB, a gene where loss-of-function variants are known to be pathogenic. Please note: this variant was assessed in the context of healthy population screening.

NM_001164508.2(NEB):c.22353_22354insCA (p.Ala7452fs)

Genes: NEB (nebulin; minus strand), RIF1 (replication timing regulatory factor 1; plus strand). Cytogenetic location: 2q23.3.
Variant type: Insertion.
Coding change: c.22353_22354insCA on transcript NM_001164508.2 (MANE Select); coding-DNA positions 22353 to 22354, CA inserted.
Protein change: p.Ala7452fs; shifts the reading frame from alanine 7452.
Molecular consequence: frameshift variant.
Genome position: GRCh38 VCF-style: chr2-151524535-C-CTG. GRCh37 (hg19) VCF-style: chr2-152381049-C-CTG.
Other names: c.22353_22354insCA, p.Ala7452fs (NM_001164507.2); c.22458_22459insCA, p.Ala7487fs (NM_001271208.2); c.17250_17251insCA, p.Ala5751fs (NM_004543.5); short protein forms A5751fs, A7452fs, A7487fs.
Identifiers: ClinVar variation 1726483 (VCV001726483.2), dbSNP rs2552108615, ClinGen allele CA2580063974.